The following is an entry in ClinVar:

ClinVar aggregate classification (germline): Pathogenic/Likely pathogenic. Review status: criteria provided, multiple submitters, no conflicts (2 of 4 stars). 30 submissions from 28 submitters: Pathogenic (21); Likely pathogenic (4). 5 of the submissions do not count toward it. Last evaluated 2026-08-01.

Conditions:
TNNT2-related disorder. Also called: TNNT2-related condition.
Cardiovascular phenotype. Identifiers: MedGen CN230736.
Cardiomyopathy (CMYO). Also called: Cardiomyopathies. Identifiers: Orphanet 167848, MedGen C0878544, MONDO:0004994, HP:0001638. Inheritance: Various modes of inheritance.
Hypertrophic cardiomyopathy 2. Also called: TNNT2-Related Familial Hypertrophic Cardiomyopathy. Identifiers: MedGen C1861864, MONDO:0007266, OMIM 115195.
Cardiomyopathy, familial restrictive, 3. Identifiers: Orphanet 75249, MedGen C2676271, MONDO:0012900, OMIM 612422.
Dilated cardiomyopathy 1D. Identifiers: Orphanet 154, Orphanet 54260, MedGen C1832243, MONDO:0011095, OMIM 601494.
Primary dilated cardiomyopathy (DCM). Also called: Dilated Cardiomyopathy. Identifiers: Orphanet 217604, MedGen C0007193, MeSH D002311, MONDO:0005021, HP:0001644. Inheritance: Various modes of inheritance.

Submissions 1 to 8 of 30:

CeGaT Center for Human Genetics Tuebingen
Classification: Pathogenic. Last evaluated: 2026-08-01. Review status: criteria provided, single submitter. Criteria: CeGaT Center For Human Genetics Tuebingen Variant Classification Criteria Version 2. Collection method: clinical testing. Allele origin: germline. Affected: yes. Observed: 1 variant allele.
Comment: TNNT2: PS4, PM1, PM2, PM4:Supporting, PS3:Supporting

PreventionGenetics, part of Exact Sciences
Classification: Pathogenic for TNNT2-related condition. Last evaluated: 2026-03-11. Review status: criteria provided, single submitter. Criteria: ACMG Guidelines, 2015. Collection method: clinical testing. Allele origin: germline.
Comment: The TNNT2 c.629_631delAGA variant is predicted to result in an in-frame deletion (p.Lys210del). This variant is alternatively referred to as p.Lys217del (NM_000364) and p.Lys220del (NM_001276345) in the literature and public databases. It has been reported in multiple individuals with TNNT2-related disease including dilated cardiomyopathy (DCM) and left ventricular noncompaction and has been shown to segregate with DCM in several families (see, for example, Kamisago et al. 2000. PubMed ID: 11106718; Miller et al. 2017. PubMed ID: 29212898; Otten et al. 2010. PubMed ID: 20978592; van der Meulen et al. 2022. PubMed ID: 36178741; Meshkov et al. 2023. PubMed ID: 37342443). This variant has been reported to occur de novo in at least one individual with DCM (Otten et al. 2010. PubMed ID: 20978592). Functional studies demonstrate this variant results in reduced calcium sensitivity (Morimoto et al. 2002. PubMed ID: 11773635; Venkatraman et al. 2003. PubMed ID: 12923187) and a decrease in maximum speed of heart muscle contraction (Venkatraman et al. 2003. PubMed ID: 12923187). This variant has not been reported in a large population database, indicating it is rare. This variant has been interpreted as pathogenic by multiple labs in ClinVar (ClinVar ID: 43659). This variant is interpreted as pathogenic.

Center for Molecular Medicine, Children’s Hospital of Fudan University
Classification: Pathogenic for Dilated cardiomyopathy 1D. Last evaluated: 2025-12-12. Review status: criteria provided, single submitter. Criteria: ACMG Guidelines 2015. Collection method: clinical testing. Allele origin: unknown. Affected: yes.
Comment: PS4+PS2+PM2_Supp

Labcorp Genetics (formerly Invitae), Labcorp
Classification: Pathogenic for Cardiomyopathy, familial restrictive, 3; Hypertrophic cardiomyopathy 2; Dilated cardiomyopathy 1D. Last evaluated: 2025-11-03. Review status: criteria provided, single submitter. Criteria: Invitae Variant Classification Sherloc (09022015). Collection method: clinical testing. Allele origin: germline.
Comment: This variant, c.629_631del, results in the deletion of 1 amino acid(s) of the TNNT2 protein (p.Lys210del), but otherwise preserves the integrity of the reading frame. This variant is not present in population databases (gnomAD no frequency). This variant has been observed in individual(s) with dilated cardiomyopathy (PMID: 11106718, 20978592). In at least one individual the variant was observed to be de novo. It has also been observed to segregate with disease in related individuals. This variant is also known as p.K217del. ClinVar contains an entry for this variant (Variation ID: 43659). Algorithms developed to predict the effect of variants on gene product structure and function are not available or were not evaluated for this variant. Experimental studies have shown that this variant affects TNNT2 function (PMID: 11773635, 12186860, 12923187, 15623536, 15923195, 17932326, 20079745, 22675533, 23383212, 23539503, 23663841). For these reasons, this variant has been classified as Pathogenic.

3billion
Classification: Pathogenic for Dilated cardiomyopathy 1D. Last evaluated: 2025-01-07. Review status: criteria provided, single submitter. Criteria: ACMG Guidelines, 2015. Collection method: clinical testing. Allele origin: germline. Affected: yes.
Comment: The variant is observed at an extremely low frequency in the gnomAD v4.1.0 dataset (total allele frequency: <0.001%). Predicted Consequence/Location: Inframe deletion located in a nonrepeat region: predicted to change the length of the protein and disrupt normal protein function. The variant has been observed in multiple (>3) similarly affected unrelated individuals (PMID: 11862580, 27532257). The variant has been reported to co-segregate with the disease in at least 7 similarly affected relatives/individuals in at least two unrelated families (PMID: 1186258). The variant has been reported at least twice as pathogenic with clinical assertions and evidence for the classification (ClinVar ID: VCV000043659 /PMID: 11106718 /3billion dataset). Therefore, this variant is classified as Pathogenic according to the recommendation of ACMG/AMP guideline.

Mayo Clinic Laboratories, Mayo Clinic
Classification: Pathogenic. Last evaluated: 2024-09-10. Review status: criteria provided, single submitter. Criteria: ACMG Guidelines, 2015. Collection method: clinical testing. Allele origin: germline.
Comment: PP1_strong, PM2, PM4, PM6_strong, PS3, PS4

Color Diagnostics, LLC DBA Color Health
Classification: Pathogenic for Cardiomyopathy. Last evaluated: 2024-06-18. Review status: criteria provided, single submitter. Criteria: ACMG Guidelines, 2015. Collection method: clinical testing. Allele origin: germline.
Comment: This variant causes an in-frame deletion of one amino acid at exon 13 in the troponin C binding domain of the TNNT2 protein. Experimental functional studies using rabbit cardiac muscle fibers have shown that this variant causes a disruption to calcium sensitivity (PMID: 11773635, 12923187, 15623536, 15923195). Recombinant human troponin complexes expressing this variant have shown that this variant causes decreased filament mobility (PMID: 12186860, 15923195). Additionally, a mouse model for this variant has shown a recapitulation of the human dilated cardiomyopathy phenotype, including cardiac enlargement, heart failure and sudden death (PMID: 17556660). This variant has been reported in over 20 unrelated individuals affected with dilated cardiomyopathy (PMID: 11106718, 11862580, 14567970, 15542288, 20031601, 20978592, 22949430, 24503780, 25179549, 31568572, 34011823, 38612618). In a study of a large cohort of individuals affected with dilated cardiomyopathy, this variant was observed in 18 individuals out of a total of 1254 affected individuals (PMID: 27532257). It has been shown that this variant segregates with disease in multiple affected individuals across at least 10 families (PMID: 11106718, 15542288, 20031601, 20978592, 25179549). This variant has also been reported in individuals affected with left ventricular noncompaction (PMID: 29212898, 37342443). This variant has not been identified in the general population by the Genome Aggregation Database (gnomAD). Based on the available evidence, this variant is classified as Pathogenic.

Department of Pathology and Laboratory Medicine, Sinai Health System
Classification: Pathogenic for Hypertrophic cardiomyopathy 2; Dilated cardiomyopathy 1D; Cardiomyopathy, familial restrictive, 3. Last evaluated: 2024-04-22. Review status: criteria provided, single submitter. Criteria: ACMG Guidelines, 2015. Collection method: clinical testing. Allele origin: germline. Affected: yes.

NM_001276345.2(TNNT2):c.650AGA[3] (p.Lys220del)

Gene: TNNT2 (troponin T2, cardiac type; minus strand). Cytogenetic location: 1q32.1.
Variant type: Microsatellite.
Coding change: c.650AGA[3] on transcript NM_001276345.2 (MANE Select); three copies in a row of the 3-base unit AGA starting at c.650; the reference has four copies in a row; one copy, 3 bases deleted; also written c.659_661del.
Protein change: p.Lys220del; deletes lysine 220.
Molecular consequence: inframe deletion.
Genome position (GRCh38, 1-based): chr1:201,361,971-201,361,973, TCT deleted on the plus strand (AGA on the coding strand, the reverse complement: TNNT2 is on the minus strand); deleting any 3 consecutive bases within chr1:201,361,971-201,361,983 gives the same sequence; the position shown is the placement nearest the transcript's 3' end. VCF-style (leftmost placement, unchanged base first): chr1-201361970-ATCT-A. GRCh37 (hg19) VCF-style: chr1-201331098-ATCT-A.
Other names: c.629_631del (NM_001001430.1, NM_001001430.2, NM_001001430.3); c.620_622del (NM_001001430.2); c.641AGA[3], p.Lys217del (NM_000364.4); c.620AGA[3], p.Lys210del (NM_001001430.3, NM_001276347.2); c.611AGA[3], p.Lys207del (NM_001001431.3); c.602AGA[3], p.Lys204del (NM_001001432.3); c.659_661del (NM_001276345.2); c.659_661delAGA (NM_001276345.1); and 1 more; short protein forms K210del, K217del, K177del, K204del, K207del, K220del.
Identifiers: ClinVar variation 43659 (VCV000043659.59), dbSNP rs45578238, ClinGen allele CA006429.